The following is an entry in ClinVar:

ClinVar aggregate classification (germline): Uncertain significance (1 of 4 stars; one submission).

Conditions:
Diamond-Blackfan anemia 6 (DBA6). Also called: RPL5-Related Diamond-Blackfan Anemia. Identifiers: Orphanet 124, MedGen C2931850, MONDO:0012937, OMIM 612561.

Submission:

Juno Genomics, Hangzhou Juno Genomics, Inc
Classification: Uncertain significance for Diamond-Blackfan anemia 6. Review status: criteria provided, single submitter. Criteria: ACMG Guidelines, 2015. Collection method: clinical testing. Allele origin: germline.
Comment: Absent from controls (or at extremely low frequency if recessive) in Genome Aggregation Database.

NM_000969.5(RPL5):c.356A>T (p.Tyr119Phe)

Genes: DIPK1A (divergent protein kinase domain 1A; minus strand), RPL5 (ribosomal protein L5; plus strand). Cytogenetic location: 1p22.1.
Variant type: single nucleotide variant.
Coding change: c.356A>T on transcript NM_000969.5 (MANE Select); coding-DNA position 356, A replaced by T.
Protein change: p.Tyr119Phe; replaces tyrosine 119 with phenylalanine.
Molecular consequence: missense variant. On other transcripts: intron variant (1).
Genome position (GRCh38, 1-based): chr1:92,836,221, A>T. VCF-style: chr1-92836221-A-T. GRCh37 (hg19) VCF-style: chr1-93301778-A-T.
Other names: c.475-3187T>A (NM_001252273.2); short protein forms Y119F.
Identifiers: ClinVar variation 5007205 (VCV005007205.2).
Genomic context (GRCh38, chr1:92,836,221, plus strand): 5'-ACCAGCATTTACATTGGTTTCTTGAATAGCTTCTCAATAGGTTTGGCATGGACAAGATCT[A>T]TGAAGGCCAAGTGGAGGTGACTGGTGATGAATACAATGTGGAAAGCATTGATGGTCAGCC-3'
Protein context (NP_000960.2, residues 109-129): LLNRFGMDKI[Tyr119Phe]EGQVEVTGDE